The following is an entry in ClinVar:

ClinVar aggregate classification (germline): Likely pathogenic (1 of 4 stars; one submission).

Conditions:
COG1 congenital disorder of glycosylation (CDG2G). Also called: CONGENITAL DISORDER OF GLYCOSYLATION, TYPE IIg; CDG IIg; CDGII/COG1 CEREBROCOSTOMANDIBULAR-LIKE SYNDROME. Identifiers: Orphanet 263508, MedGen C2931011, MONDO:0012637, OMIM 611209.

Submission:

Juno Genomics, Hangzhou Juno Genomics, Inc
Classification: Likely pathogenic for COG1 congenital disorder of glycosylation. Review status: criteria provided, single submitter. Criteria: ACMG Guidelines, 2015. Collection method: clinical testing. Allele origin: germline.
Comment: Absent from controls (or at extremely low frequency if recessive) in Genome Aggregation Database.;Null variant in a gene where loss of function (LOF) is a known mechanism of disease.

NM_018714.3(COG1):c.358C>T (p.Gln120Ter)

Gene: COG1 (component of oligomeric golgi complex 1; plus strand). Cytogenetic location: 17q25.1.
Variant type: single nucleotide variant.
Coding change: c.358C>T on transcript NM_018714.3 (MANE Select); coding-DNA position 358, C replaced by T.
Protein change: p.Gln120Ter; replaces glutamine 120 with a stop codon.
Molecular consequence: nonsense.
Genome position (GRCh38, 1-based): chr17:73,196,549, C>T. VCF-style: chr17-73196549-C-T. GRCh37 (hg19) VCF-style: chr17-71192688-C-T.
Other names: short protein forms Q120*.
Identifiers: ClinVar variation 5019482 (VCV005019482.2).